The following is an entry in ClinVar:

NM_005477.3(HCN4):c.2723G>A (p.Gly908Asp)

Gene: HCN4 (hyperpolarization activated cyclic nucleotide gated potassium channel 4; minus strand). Cytogenetic location: 15q24.1.
Variant type: single nucleotide variant.
Coding change: c.2723G>A on transcript NM_005477.3 (MANE Select); coding-DNA position 2723, G replaced by A.
Protein change: p.Gly908Asp; replaces glycine 908 with aspartic acid.
Molecular consequence: missense variant.
Genome position (GRCh38, 1-based): chr15:73,323,370, C>T on the plus strand (G>A on the coding strand, the complement: HCN4 is on the minus strand). VCF-style: chr15-73323370-C-T. GRCh37 (hg19) VCF-style: chr15-73615711-C-T.
Other names: short protein forms G908D.
Identifiers: ClinVar variation 3524257 (VCV003524257.1).

ClinVar aggregate classification (germline): Uncertain significance (1 of 4 stars; one submission).

Conditions:
Cardiovascular phenotype. Identifiers: MedGen CN230736.

Submission:

Ambry Genetics
Classification: Uncertain significance for Cardiovascular phenotype. Last evaluated: 2024-08-03. Review status: criteria provided, single submitter. Criteria: Ambry Variant Classification Scheme 2023. Collection method: clinical testing. Allele origin: germline.
Comment: The p.G908D variant (also known as c.2723G>A), located in coding exon 8 of the HCN4 gene, results from a G to A substitution at nucleotide position 2723. The glycine at codon 908 is replaced by aspartic acid, an amino acid with similar properties. This amino acid position is conserved. In addition, the in silico prediction for this alteration is inconclusive. Based on the available evidence, the clinical significance of this variant remains unclear.